The following is an entry in ClinVar:

NM_006227.4(PLTP):c.616C>T (p.Arg206Cys)

Gene: PLTP (phospholipid transfer protein; minus strand). Cytogenetic location: 20q13.12.
Variant type: single nucleotide variant.
Coding change: c.616C>T on transcript NM_006227.4 (MANE Select); coding-DNA position 616, C replaced by T.
Protein change: p.Arg206Cys; replaces arginine 206 with cysteine.
Molecular consequence: missense variant.
Genome position (GRCh38, 1-based): chr20:45,906,357, G>A on the plus strand (C>T on the coding strand, the complement: PLTP is on the minus strand). VCF-style: chr20-45906357-G-A. GRCh37 (hg19) VCF-style: chr20-44534996-G-A.
Other names: c.331C>T, p.Arg111Cys (NM_001242920.2); c.352C>T, p.Arg118Cys (NM_001242921.1); c.460C>T, p.Arg154Cys (NM_182676.3); short protein forms R118C, R154C, R206C, R111C.
Identifiers: ClinVar variation 1479052 (VCV001479052.8), dbSNP rs775414533, ClinGen allele CA9883780.

ClinVar aggregate classification (germline): Uncertain significance (1 of 4 stars; one submission).

Allele frequency attached by ClinVar (database versions not stated): ExAC 0.00001; gnomAD 0.00001; gnomAD exomes 0.00002; TOPMed 0.00002.
gnomAD v4.1: 20 of 1,612,404 alleles (0.0012%); highest among the groups gnomAD compares: Middle Eastern, 0.033%; no homozygotes.

Submission:

Labcorp Genetics (formerly Invitae), Labcorp
Classification: Uncertain significance. Last evaluated: 2021-07-16. Review status: criteria provided, single submitter. Criteria: Invitae Variant Classification Sherloc (09022015). Collection method: clinical testing. Allele origin: germline.
Comment: This variant has not been reported in the literature in individuals with PLTP-related conditions. In summary, the available evidence is currently insufficient to determine the role of this variant in disease. Therefore, it has been classified as a Variant of Uncertain Significance. Algorithms developed to predict the effect of missense changes on protein structure and function (SIFT, PolyPhen-2, Align-GVGD) all suggest that this variant is likely to be disruptive, but these predictions have not been confirmed by published functional studies and their clinical significance is uncertain. This variant is present in population databases (rs775414533, ExAC 0.002%). This sequence change replaces arginine with cysteine at codon 206 of the PLTP protein (p.Arg206Cys). The arginine residue is highly conserved and there is a large physicochemical difference between arginine and cysteine.